The following is an entry in ClinVar:

ClinVar aggregate classification (germline): Pathogenic/Likely pathogenic. Review status: criteria provided, multiple submitters, no conflicts (2 of 4 stars). 2 submissions from 2 submitters: Pathogenic (1); Likely pathogenic (1). Last evaluated 2025-09-19.

Conditions:
Charlevoix-Saguenay spastic ataxia (SACS). Also called: Spastic ataxia of Charlevoix-Saguenay; SPASTIC ATAXIA 6, AUTOSOMAL RECESSIVE; AUTOSOMAL RECESSIVE SPASTIC ATAXIA OF CHARLEVOIX-SAGUENAY. Identifiers: Orphanet 98, MedGen C1849140, MONDO:0010041, OMIM 270550.

Submissions (2):

Myriad Genetics, Inc.
Classification: Pathogenic for Charlevoix-Saguenay spastic ataxia. Last evaluated: 2025-09-19. Review status: criteria provided, single submitter. Criteria: Myriad Autosomal Dominant, Autosomal Recessive and X-Linked Classification Criteria (2023). Collection method: clinical testing. Allele origin: unknown.
Comment: NM_014363.4(SACS):c.5008_5010del3ins35(Y1670Vfs*32) is a frameshift variant classified as pathogenic in the context of autosomal recessive spastic ataxia of Charlevoix-Saguenay. Y1670Vfs*32 has not been observed in cases with relevant disease. Relevant functional assessments of this variant are not available in the literature. Y1670Vfs*32 has not been observed in referenced population frequency databases. In summary, NM_014363.4(SACS):c.5008_5010del3ins35(Y1670Vfs*32) is a frameshift variant in a gene where loss of function is a known mechanism of disease and is predicted to disrupt protein function. Please note: this variant was assessed in the context of healthy population screening.

Women's Health and Genetics/Laboratory Corporation of America, LabCorp
Classification: Likely pathogenic for Charlevoix-Saguenay spastic ataxia. Last evaluated: 2023-03-27. Review status: criteria provided, single submitter. Criteria: LabCorp Variant Classification Summary - May 2015. Collection method: clinical testing. Allele origin: germline.
Comment: Variant summary: SACS c.5008_5010delins35 (p.Tyr1670ValfsX32) results in a premature termination codon and is predicted to cause a truncation of the encoded protein, which is a commonly known mechanism for disease. Although the variant is not expected to cause absence of the protein through nonsense mediated decay, the variant disrupts more than half of the encoded protein sequence. Truncations downstream of this position have been classified as pathogenic by our laboratory. The variant was absent in 250084 control chromosomes (gnomAD). To our knowledge, no occurrence of c.5008_5010delins35 in individuals affected with Autosomal Recessive Spastic Ataxia Of Charlevoix-Saguenay and no experimental evidence demonstrating its impact on protein function have been reported. No clinical diagnostic laboratories have submitted clinical-significance assessments for this variant to ClinVar after 2014. Based on the evidence outlined above, the variant was classified as likely pathogenic.

NM_014363.6(SACS):c.5008_5010delinsGTAGATGAATATCTACAATTGTGGATTGTATTTAG (p.Tyr1670fs)

Gene: SACS (sacsin molecular chaperone; minus strand). Cytogenetic location: 13q12.12.
Variant type: Indel.
Coding change: c.5008_5010delinsGTAGATGAATATCTACAATTGTGGATTGTATTTAG on transcript NM_014363.6 (MANE Select); coding-DNA positions 5008 to 5010, the reference bases replaced by an inserted sequence.
Protein change: p.Tyr1670fs; shifts the reading frame from tyrosine 1670.
Molecular consequence: frameshift variant.
Genome position (GRCh38, 1-based): chr13:23,338,866-23,338,868, 3 bases replaced. GRCh37 (hg19): chr13:23,913,005-23,913,007.
Other names: c.4567_4569delinsGTAGATGAATATCTACAATTGTGGATTGTATTTAG, p.Tyr1523fs (NM_001278055.2); short protein forms Y1523fs, Y1670fs.
Identifiers: ClinVar variation 2501204 (VCV002501204.2), dbSNP rs2542272996, ClinGen allele CA2580614624.